The following is an entry in ClinVar:

ClinVar aggregate classification (germline): Pathogenic (1 of 4 stars; one submission).

Conditions:
Polycystic kidney disease, adult type (PKD1). Also called: Polycystic Kidney Disease 1, Autosomal Dominant; Polycystic kidney disease 1; Polycystic kidney disease 1, severe; POLYCYSTIC KIDNEY DISEASE 1 WITH OR WITHOUT POLYCYSTIC LIVER DISEASE; POLYCYSTIC KIDNEY DISEASE, ADULT, TYPE I; Polycystic Kidney, Autosomal Dominant. Identifiers: MedGen C3149841, MONDO:0008263, OMIM 173900.

Submission:

Women's Health and Genetics/Laboratory Corporation of America, LabCorp
Classification: Pathogenic for Polycystic kidney disease, adult type. Last evaluated: 2026-02-02. Review status: criteria provided, single submitter. Criteria: LabCorp Variant Classification Summary - May 2015. Collection method: clinical testing. Allele origin: germline.
Comment: Variant summary: PKD1 c.9330_9331insAG (p.Phe3111SerfsX206) results in a premature termination codon, predicted to cause absence of the protein due to nonsense mediated decay, which is a commonly known mechanism for disease. The variant was absent in 231056 control chromosomes (gnomAD). To our knowledge, no occurrence of c.9330_9331insAG in individuals affected with PKD1-related conditions and no experimental evidence demonstrating its impact on protein function have been reported. No submitters have cited clinical-significance assessments for this variant to ClinVar. Based on the evidence outlined above, the variant was classified as pathogenic.

NM_001009944.3(PKD1):c.9330_9331insAG (p.Phe3111fs)

Gene: PKD1 (polycystin 1, transient receptor potential channel interacting; minus strand). Cytogenetic location: 16p13.3.
Variant type: Insertion.
Coding change: c.9330_9331insAG on transcript NM_001009944.3 (MANE Select); coding-DNA positions 9330 to 9331, AG inserted.
Protein change: p.Phe3111fs; shifts the reading frame from phenylalanine 3111.
Molecular consequence: frameshift variant.
Genome position: GRCh38 VCF-style: chr16-2102127-A-ACT. GRCh37 (hg19) VCF-style: chr16-2152128-A-ACT.
Other names: c.9330_9331insAG, p.Phe3111fs (NM_000296.4); short protein forms F3111fs.
Identifiers: ClinVar variation 4848123 (VCV004848123.1).